The following is an entry in ClinVar:

ClinVar aggregate classification (germline): Uncertain significance. Review status: criteria provided, multiple submitters, no conflicts (2 of 4 stars). 2 submissions from 2 submitters: Uncertain significance (2). Last evaluated 2025-05-23.

Conditions:
Inborn genetic diseases. Identifiers: MedGen C0950123, MeSH D030342.
Nemaline myopathy 6 (NEM6). Also called: Nemaline myopathy 6, autosomal dominant. Identifiers: Orphanet 171439, MedGen C1836472, MONDO:0012237, OMIM 609273.

Allele frequency attached by ClinVar (database versions not stated): gnomAD exomes below 0.00001; gnomAD 0.00001; TOPMed 0.00002.
gnomAD v4.1: 5 of 1,534,040 alleles (0.00033%); highest among the groups gnomAD compares: Non-Finnish European, 0.00044%; no homozygotes.

Submissions (2):

Ambry Genetics
Classification: Uncertain significance for Inborn genetic diseases. Last evaluated: 2025-05-23. Review status: criteria provided, single submitter. Criteria: Ambry Variant Classification Scheme 2023. Collection method: clinical testing. Allele origin: germline.

Labcorp Genetics (formerly Invitae), Labcorp
Classification: Uncertain significance for Nemaline myopathy 6. Last evaluated: 2025-01-21. Review status: criteria provided, single submitter. Criteria: Invitae Variant Classification Sherloc (09022015). Collection method: clinical testing. Allele origin: germline.
Comment: This sequence change replaces arginine, which is basic and polar, with histidine, which is basic and polar, at codon 59 of the KBTBD13 protein (p.Arg59His). This variant is present in population databases (no rsID available, gnomAD 0.002%). This variant has not been reported in the literature in individuals affected with KBTBD13-related conditions. ClinVar contains an entry for this variant (Variation ID: 1950231). Invitae Evidence Modeling of protein sequence and biophysical properties (such as structural, functional, and spatial information, amino acid conservation, physicochemical variation, residue mobility, and thermodynamic stability) indicates that this missense variant is not expected to disrupt KBTBD13 protein function with a negative predictive value of 80%. In summary, the available evidence is currently insufficient to determine the role of this variant in disease. Therefore, it has been classified as a Variant of Uncertain Significance.

NM_001101362.3(KBTBD13):c.176G>A (p.Arg59His)

Gene: KBTBD13 (kelch repeat and BTB domain containing 13; plus strand). Cytogenetic location: 15q22.31.
Variant type: single nucleotide variant.
Coding change: c.176G>A on transcript NM_001101362.3 (MANE Select); coding-DNA position 176, G replaced by A.
Protein change: p.Arg59His; replaces arginine 59 with histidine.
Molecular consequence: missense variant.
Genome position (GRCh38, 1-based): chr15:65,076,991, G>A. VCF-style: chr15-65076991-G-A. GRCh37 (hg19) VCF-style: chr15-65369329-G-A.
Other names: short protein forms R59H.
Identifiers: ClinVar variation 1950231 (VCV001950231.6), dbSNP rs1300844069, ClinGen allele CA392856853.